The following is an entry in ClinVar:

ClinVar aggregate classification (germline): Conflicting classifications of pathogenicity. Review status: criteria provided, conflicting classifications (1 of 4 stars). 4 submissions from 4 submitters: Likely pathogenic (1); Uncertain significance (3). Last evaluated 2025-08-14.

Conditions:
Myofibrillar myopathy 5. Also called: Filaminopathy (type); FILAMINOPATHY, AUTOSOMAL DOMINANT. Identifiers: Orphanet 171445, MedGen C1836050, MONDO:0012289, OMIM 609524.
Distal myopathy with posterior leg and anterior hand involvement. Also called: WILLIAMS DISTAL MYOPATHY. Identifiers: Orphanet 63273, MedGen C3279722, MONDO:0013550, OMIM 614065.
Hypertrophic cardiomyopathy 26. Also called: Cardiomyopathy, familial hypertrophic, 26. Identifiers: Orphanet 75249, MedGen C4310749, MONDO:0014883, OMIM 617047.

Allele frequency attached by ClinVar (database versions not stated): gnomAD exomes below 0.00001.
gnomAD v4.1: 1 of 1,614,118 alleles (0.000062%); highest among the groups gnomAD compares: Non-Finnish European, 0.000085%; no homozygotes.

Submissions (4):

GeneDx
Classification: Likely pathogenic. Last evaluated: 2025-08-14. Review status: criteria provided, single submitter. Criteria: GeneDx Variant Classification Process June 2021. Collection method: clinical testing. Allele origin: germline. Affected: yes.
Comment: Not observed at significant frequency in large population cohorts (gnomAD); In silico analysis supports that this missense variant has a deleterious effect on protein structure/function; This variant is associated with the following publications: (PMID: 35952944, 39582878)

Labcorp Genetics (formerly Invitae), Labcorp
Classification: Uncertain significance for Distal myopathy with posterior leg and anterior hand involvement; Myofibrillar myopathy 5; Hypertrophic cardiomyopathy 26. Last evaluated: 2024-12-16. Review status: criteria provided, single submitter. Criteria: Invitae Variant Classification Sherloc (09022015). Collection method: clinical testing. Allele origin: germline.
Comment: This sequence change replaces glutamic acid, which is acidic and polar, with lysine, which is basic and polar, at codon 2334 of the FLNC protein (p.Glu2334Lys). This variant is not present in population databases (gnomAD no frequency). This variant has not been reported in the literature in individuals affected with FLNC-related conditions. ClinVar contains an entry for this variant (Variation ID: 858816). An algorithm developed to predict the effect of missense changes on protein structure and function (PolyPhen-2) suggests that this variant is likely to be disruptive. In summary, the available evidence is currently insufficient to determine the role of this variant in disease. Therefore, it has been classified as a Variant of Uncertain Significance.

Fulgent Genetics
Classification: Uncertain significance for Myofibrillar myopathy 5; Distal myopathy with posterior leg and anterior hand involvement; Hypertrophic cardiomyopathy 26. Last evaluated: 2024-03-11. Review status: criteria provided, single submitter. Criteria: ACMG Guidelines, 2015. Collection method: clinical testing. Allele origin: germline.

Blueprint Genetics
Classification: Uncertain significance. Last evaluated: 2023-03-27. Review status: criteria provided, single submitter. Criteria: ACMG Guidelines, 2015. Collection method: clinical testing. Allele origin: germline.

NM_001458.5(FLNC):c.7000G>A (p.Glu2334Lys)

Genes: FLNC (filamin C; plus strand), FLNC-AS1 (FLNC antisense RNA 1; minus strand). Cytogenetic location: 7q32.1.
Variant type: single nucleotide variant.
Coding change: c.7000G>A on transcript NM_001458.5 (MANE Select); coding-DNA position 7000, G replaced by A.
Protein change: p.Glu2334Lys; replaces glutamic acid 2334 with lysine.
Molecular consequence: missense variant.
Genome position (GRCh38, 1-based): chr7:128,854,777, G>A. VCF-style: chr7-128854777-G-A. GRCh37 (hg19) VCF-style: chr7-128494831-G-A.
Other names: c.6901G>A, p.Glu2301Lys (NM_001127487.2); short protein forms E2301K, E2334K.
Identifiers: ClinVar variation 858816 (VCV000858816.17), dbSNP rs1808984299, ClinGen allele CA369214845.